The following is an entry in ClinVar:

NM_000642.3(AGL):c.4386A>G (p.Lys1462=)

Gene: AGL (amylo-alpha-1,6-glucosidase and 4-alpha-glucanotransferase; plus strand). Cytogenetic location: 1p21.2.
Variant type: single nucleotide variant.
Coding change: c.4386A>G on transcript NM_000642.3 (MANE Select); coding-DNA position 4386, A replaced by G.
Protein change: p.Lys1462=; no amino-acid change (lysine 1462 retained).
Molecular consequence: synonymous variant.
Genome position (GRCh38, 1-based): chr1:99,916,636, A>G. VCF-style: chr1-99916636-A-G. GRCh37 (hg19) VCF-style: chr1-100382192-A-G.
Other names: c.4386A>G, p.Lys1462= (NM_000028.3, NM_000643.3, NM_000644.3 and 1 more transcripts); c.4338A>G, p.Lys1446= (NM_000646.3); c.4365A>G, p.Lys1455= (NM_001425326.1); c.4185A>G, p.Lys1395= (NM_001425327.1); c.4182A>G, p.Lys1394= (NM_001425328.1); c.4047A>G, p.Lys1349= (NM_001425329.1); c.4008A>G, p.Lys1336= (NM_001425332.1).
Identifiers: ClinVar variation 2178384 (VCV002178384.1), dbSNP rs1655138543, ClinGen allele CA419314796.

ClinVar aggregate classification (germline): Uncertain significance (1 of 4 stars; one submission).

Conditions:
Glycogen storage disease type III (GSD3). Also called: FORBES DISEASE; Cori disease. Identifiers: Orphanet 366, MedGen C0017922, MONDO:0009291, OMIM 232400.

Submission:

Labcorp Genetics (formerly Invitae), Labcorp
Classification: Uncertain significance for Glycogen storage disease type III. Last evaluated: 2022-01-16. Review status: criteria provided, single submitter. Criteria: Invitae Variant Classification Sherloc (09022015). Collection method: clinical testing. Allele origin: germline.
Comment: This sequence change replaces lysine, which is basic and polar, with lysine, which is basic and polar, at codon 1462 of the AGL protein (Silent). This variant is not present in population databases (gnomAD no frequency). This variant has not been reported in the literature in individuals affected with AGL-related conditions. Algorithms developed to predict the effect of sequence changes on RNA splicing suggest that this variant may create or strengthen a splice site. In summary, the available evidence is currently insufficient to determine the role of this variant in disease. Therefore, it has been classified as a Variant of Uncertain Significance.